The following is an entry in ClinVar:

NM_019844.4(SLCO1B3):c.1371T>C (p.Ser457=)

Genes: SLCO1B3 (solute carrier organic anion transporter family member 1B3; plus strand), SLCO1B3-SLCO1B7 (SLCO1B3-SLCO1B7 readthrough; plus strand). Cytogenetic location: 12p12.2.
Variant type: single nucleotide variant.
Coding change: c.1371T>C on transcript NM_019844.4 (MANE Select); coding-DNA position 1371, T replaced by C.
Protein change: p.Ser457=; no amino-acid change (serine 457 retained).
Molecular consequence: synonymous variant.
Genome position (GRCh38, 1-based): chr12:20,880,894, T>C. VCF-style: chr12-20880894-T-C. GRCh37 (hg19) VCF-style: chr12-21033828-T-C.
Other names: c.1371T>C, p.Ser457= (NM_001371097.1); c.1287T>C, p.Ser429= (NM_001349920.2).
Identifiers: ClinVar variation 3031908 (VCV003031908.2), dbSNP rs775611499, ClinGen allele CA6475550.

ClinVar aggregate classification (germline): Likely benign (0 of 4 stars; one submission).

Conditions:
SLCO1B3-related disorder. Also called: SLCO1B3-related condition.

Allele frequency attached by ClinVar (database versions not stated): gnomAD 0.00002; TOPMed 0.00002; gnomAD exomes 0.00004; ExAC 0.00007.
gnomAD v4.1: 55 of 1,610,148 alleles (0.0034%); highest among the groups gnomAD compares: East Asian, 0.12%; no homozygotes.

Submission:

PreventionGenetics, part of Exact Sciences
Classification: Likely benign for SLCO1B3-related condition. Last evaluated: 2022-12-15. Review status: no assertion criteria provided. Collection method: clinical testing. Allele origin: germline.
Comment: This variant is classified as likely benign based on ACMG/AMP sequence variant interpretation guidelines (Richards et al. 2015 PMID: 25741868, with internal and published modifications).